The following is an entry in ClinVar:

NM_001365479.2(USP40):c.163C>T (p.Leu55Phe)

Gene: USP40 (ubiquitin specific peptidase 40; minus strand). Cytogenetic location: 2q37.1.
Variant type: single nucleotide variant.
Coding change: c.163C>T on transcript NM_001365479.2 (MANE Select); coding-DNA position 163, C replaced by T.
Protein change: p.Leu55Phe; replaces leucine 55 with phenylalanine.
Molecular consequence: missense variant. On other transcripts: non-coding transcript variant (6).
Genome position (GRCh38, 1-based): chr2:233,565,392, G>A on the plus strand (C>T on the coding strand, the complement: USP40 is on the minus strand). VCF-style: chr2-233565392-G-A. GRCh37 (hg19) VCF-style: chr2-234474038-G-A.
Other names: c.163C>T, p.Leu55Phe (NM_001382295.1, NM_001382296.1, NM_001382297.1 and 6 more transcripts); short protein forms L55F.
Identifiers: ClinVar variation 2610327 (VCV002610327.2), dbSNP rs939674208, ClinGen allele CA67571706.

ClinVar aggregate classification (germline): Uncertain significance (1 of 4 stars; one submission).

Allele frequency attached by ClinVar (database versions not stated): gnomAD 0.00001; TOPMed 0.00001.

Submission:

Ambry Genetics
Classification: Uncertain significance. Last evaluated: 2023-07-11. Review status: criteria provided, single submitter. Criteria: Ambry Variant Classification Scheme 2023. Collection method: clinical testing. Allele origin: germline.
Comment: The c.199C>T (p.L67F) alteration is located in exon (coding exon ) of the USP40 gene. This alteration results from a C to T substitution at nucleotide position 199, causing the leucine (L) at amino acid position 67 to be replaced by a phenylalanine (F). Based on insufficient or conflicting evidence, the clinical significance of this alteration remains unclear.